The following is an entry in ClinVar:

ClinVar aggregate classification (germline): Pathogenic (1 of 4 stars; one submission).

Conditions:
Metachromatic leukodystrophy (MLD). Also called: Cerebral sclerosis diffuse metachromatic form; Arylsulfatase A Deficiency; SULFATIDE LIPIDOSIS; ARSA DEFICIENCY; CEREBROSIDE SULFATASE DEFICIENCY; METACHROMATIC LEUKOENCEPHALOPATHY. Identifiers: Orphanet 512, MedGen C0023522, MONDO:0018868, OMIM 250100.

Submission:

Labcorp Genetics (formerly Invitae), Labcorp
Classification: Pathogenic for Metachromatic leukodystrophy. Last evaluated: 2022-11-07. Review status: criteria provided, single submitter. Criteria: Invitae Variant Classification Sherloc (09022015). Collection method: clinical testing. Allele origin: germline.
Comment: This sequence change creates a premature translational stop signal (p.Pro91Leufs*17) in the ARSA gene. It is expected to result in an absent or disrupted protein product. Loss-of-function variants in ARSA are known to be pathogenic (PMID: 8962139, 10477432). For these reasons, this variant has been classified as Pathogenic. ClinVar contains an entry for this variant (Variation ID: 1406153). This variant has not been reported in the literature in individuals affected with ARSA-related conditions. This variant is not present in population databases (gnomAD no frequency).

Literature cited by the submitters: PubMed 8962139; PubMed 10477432.

NM_000487.6(ARSA):c.272del (p.Pro91fs)

Gene: ARSA (arylsulfatase A; minus strand). Cytogenetic location: 22q13.33.
Variant type: Deletion.
Coding change: c.272del on transcript NM_000487.6 (MANE Select); coding-DNA position 272, one base deleted (C; older notation c.272delC).
Protein change: p.Pro91fs; shifts the reading frame from proline 91.
Molecular consequence: frameshift variant.
Genome position (GRCh38, 1-based): chr22:50,627,359, G deleted on the plus strand (C on the coding strand, the reverse complement: ARSA is on the minus strand); the first of 3 consecutive G bases (chr22:50,627,359-50,627,361); deleting any one gives the same sequence. VCF-style (leftmost placement, unchanged base first): chr22-50627358-AG-A. GRCh37 (hg19) VCF-style: chr22-51065786-AG-A.
Other names: c.272del, p.Pro91fs (NM_001085425.3, NM_001085426.3, NM_001085427.3); c.14del, p.Pro5fs (NM_001085428.3, NM_001362782.2); short protein forms P91fs, P5fs.
Identifiers: ClinVar variation 1406153 (VCV001406153.6), dbSNP rs2082692417, ClinGen allele CA2410959574.